The following is an entry in ClinVar:

NM_005732.4(RAD50):c.853_854del (p.Lys284_Asp285insTer)

Gene: RAD50 (RAD50 double strand break repair protein; plus strand). Cytogenetic location: 5q31.1.
Variant type: Deletion.
Coding change: c.853_854del on transcript NM_005732.4 (MANE Select); coding-DNA positions 853 to 854, 2 bases deleted (GA; older notation c.853_854delGA).
Protein change: p.Lys284_Asp285insTer.
Molecular consequence: nonsense.
Genome position (GRCh38, 1-based): chr5:132,587,658-132,587,659, GA deleted; deleting any 2 consecutive bases within chr5:132,587,657-132,587,659 gives the same sequence; the c. name uses the placement nearest the transcript's 3' end. VCF-style (leftmost placement, unchanged base first): chr5-132587656-AAG-A. GRCh37 (hg19) VCF-style: chr5-131923348-AAG-A.
Identifiers: ClinVar variation 2857592 (VCV002857592.3), dbSNP rs2479631849, ClinGen allele CA2739275033.

ClinVar aggregate classification (germline): Pathogenic (1 of 4 stars; one submission).

Conditions:
Hereditary cancer-predisposing syndrome. Also called: Neoplastic Syndromes, Hereditary; Hereditary neoplastic syndrome; Tumor predisposition; Hereditary Cancer Syndrome. Identifiers: Orphanet 140162, MedGen C0027672, MeSH D009386, MONDO:0015356.

Submission:

Labcorp Genetics (formerly Invitae), Labcorp
Classification: Pathogenic for Hereditary cancer-predisposing syndrome. Last evaluated: 2023-04-19. Review status: criteria provided, single submitter. Criteria: Invitae Variant Classification Sherloc (09022015). Collection method: clinical testing. Allele origin: germline.
Comment: This sequence change creates a premature translational stop signal (p.Asp285*) in the RAD50 gene. It is expected to result in an absent or disrupted protein product. Loss-of-function variants in RAD50 are known to be pathogenic (PMID: 19409520). This variant is not present in population databases (gnomAD no frequency). This variant has not been reported in the literature in individuals affected with RAD50-related conditions. For these reasons, this variant has been classified as Pathogenic.

Literature cited by the submitters: PubMed 19409520.